The following is an entry in ClinVar:

NM_016240.3(SCARA3):c.83C>T (p.Pro28Leu)

Gene: SCARA3 (scavenger receptor class A member 3; plus strand). Cytogenetic location: 8p21.1.
Variant type: single nucleotide variant.
Coding change: c.83C>T on transcript NM_016240.3 (MANE Select); coding-DNA position 83, C replaced by T.
Protein change: p.Pro28Leu; replaces proline 28 with leucine.
Molecular consequence: missense variant.
Genome position (GRCh38, 1-based): chr8:27,649,777, C>T. VCF-style: chr8-27649777-C-T. GRCh37 (hg19) VCF-style: chr8-27507294-C-T.
Other names: c.83C>T, p.Pro28Leu (NM_182826.2); short protein forms P28L.
Identifiers: ClinVar variation 2345071 (VCV002345071.4), dbSNP rs201020809, ClinGen allele CA4691286.

ClinVar aggregate classification (germline): Uncertain significance. Review status: criteria provided, single submitter (1 of 4 stars). 2 submissions from 2 submitters: Uncertain significance (1). 1 of the submissions does not count toward it. Last evaluated 2022-09-22.

Conditions:
SCARA3-related disorder. Also called: SCARA3-related condition.

Allele frequency attached by ClinVar (database versions not stated): gnomAD 0.00007; TOPMed 0.00007; gnomAD exomes 0.00008; ExAC 0.00015; ESP Exome Variant Server 0.00015.
gnomAD v4.1: 130 of 1,613,972 alleles (0.0081%); highest among the groups gnomAD compares: Middle Eastern, 0.033%; no homozygotes.

Submissions (2):

Ambry Genetics
Classification: Uncertain significance. Last evaluated: 2022-09-22. Review status: criteria provided, single submitter. Criteria: Ambry Variant Classification Scheme 2023. Collection method: clinical testing. Allele origin: germline.

PreventionGenetics, part of Exact Sciences
Classification: Likely benign for SCARA3-related condition. Last evaluated: 2023-07-16. Review status: no assertion criteria provided. Collection method: clinical testing. Allele origin: germline. Not counted in ClinVar's aggregate classification.
Comment: This variant is classified as likely benign based on ACMG/AMP sequence variant interpretation guidelines (Richards et al. 2015 PMID: 25741868, with internal and published modifications).